The following is an entry in ClinVar:

ClinVar aggregate classification (germline): Uncertain significance (1 of 4 stars; one submission).

Conditions:
Oligodontia-cancer predisposition syndrome. Also called: TOOTH AGENESIS-COLORECTAL CANCER SYNDROME. Identifiers: Orphanet 300576, MedGen C1837750, MONDO:0012075, OMIM 608615. Disease mechanism: loss of function.

Submission:

Labcorp Genetics (formerly Invitae), Labcorp
Classification: Uncertain significance for Oligodontia-cancer predisposition syndrome. Last evaluated: 2024-06-17. Review status: criteria provided, single submitter. Criteria: Invitae Variant Classification Sherloc (09022015). Collection method: clinical testing. Allele origin: germline.
Comment: This sequence change replaces glycine, which is neutral and non-polar, with alanine, which is neutral and non-polar, at codon 815 of the AXIN2 protein (p.Gly815Ala). This variant is not present in population databases (gnomAD no frequency). This variant has not been reported in the literature in individuals affected with AXIN2-related conditions. Advanced modeling of protein sequence and biophysical properties (such as structural, functional, and spatial information, amino acid conservation, physicochemical variation, residue mobility, and thermodynamic stability) performed at Invitae indicates that this missense variant is expected to disrupt AXIN2 protein function with a positive predictive value of 80%. In summary, the available evidence is currently insufficient to determine the role of this variant in disease. Therefore, it has been classified as a Variant of Uncertain Significance.

NM_004655.4(AXIN2):c.2444G>C (p.Gly815Ala)

Gene: AXIN2 (axin 2; minus strand). Cytogenetic location: 17q24.1.
Variant type: single nucleotide variant.
Coding change: c.2444G>C on transcript NM_004655.4 (MANE Select); coding-DNA position 2444, G replaced by C.
Protein change: p.Gly815Ala; replaces glycine 815 with alanine.
Molecular consequence: missense variant.
Genome position (GRCh38, 1-based): chr17:65,530,064, C>G on the plus strand (G>C on the coding strand, the complement: AXIN2 is on the minus strand). VCF-style: chr17-65530064-C-G. GRCh37 (hg19) VCF-style: chr17-63526182-C-G.
Other names: c.2249G>C, p.Gly750Ala (NM_001363813.1); short protein forms G815A, G750A.
Identifiers: ClinVar variation 3656672 (VCV003656672.2).